The following is an entry in ClinVar:

ClinVar aggregate classification (germline): Likely pathogenic (1 of 4 stars; one submission).

Conditions:
USH2A-related disorder. Also called: USH2A-related condition; USH2A-related disorders. Identifiers: MedGen CN239332.

Submission:

Myriad Genetics, Inc.
Classification: Likely pathogenic for USH2A-related disorder. Last evaluated: 2026-06-11. Review status: criteria provided, single submitter. Criteria: Myriad Autosomal Dominant, Autosomal Recessive and X-Linked Classification Criteria (2023). Collection method: clinical testing. Allele origin: unknown.
Comment: NM_206933.2(USH2A):c.8845+2T>C is a variant in a canonical splice site classified as likely pathogenic in the context of USH2A-related disorders. c.8845+2T>C has not been observed in cases with relevant disease. Relevant functional assessments of this variant are not available in the literature. c.8845+2T>C has not been observed in referenced population frequency databases. In summary, NM_206933.2(USH2A):c.8845+2T>C is a variant in a canonical splice site in a gene where loss of function is a known mechanism of disease and is predicted to disrupt protein function. Please note: this variant was assessed in the context of healthy population screening.

NM_206933.4(USH2A):c.8845+2T>C

Gene: USH2A (usherin; minus strand). Cytogenetic location: 1q41.
Variant type: single nucleotide variant.
Coding change: c.8845+2T>C on transcript NM_206933.4 (MANE Select); the canonical splice donor site of the intron after coding-DNA position 8845, T replaced by C.
Molecular consequence: splice donor variant.
Genome position (GRCh38, 1-based): chr1:215,867,005, A>G on the plus strand (T>C on the coding strand, the complement: USH2A is on the minus strand). VCF-style: chr1-215867005-A-G. GRCh37 (hg19) VCF-style: chr1-216040347-A-G.
Identifiers: ClinVar variation 5004723 (VCV005004723.1).